The following is an entry in ClinVar:

ClinVar aggregate classification (germline): Uncertain significance (1 of 4 stars; one submission).

Allele frequency attached by ClinVar (database versions not stated): gnomAD exomes 0.00001; ExAC 0.00002; TOPMed 0.00002.

Submission:

GeneDx
Classification: Uncertain significance. Last evaluated: 2018-09-14. Review status: criteria provided, single submitter. Criteria: GeneDx Variant Classification Process June 2021. Collection method: clinical testing. Allele origin: germline. Affected: yes.
Comment: Not observed at a significant frequency in large population cohorts (Lek et al., 2016; McVean et al., 2012; Exome Variant Server); In silico analysis, which includes protein predictors and evolutionary conservation, supports a deleterious effect

NM_002103.5(GYS1):c.988G>A (p.Gly330Ser)

Gene: GYS1 (glycogen synthase 1; minus strand). Cytogenetic location: 19q13.33.
Variant type: single nucleotide variant.
Coding change: c.988G>A on transcript NM_002103.5 (MANE Select); coding-DNA position 988, G replaced by A.
Protein change: p.Gly330Ser; replaces glycine 330 with serine.
Molecular consequence: missense variant. On other transcripts: non-coding transcript variant (1).
Genome position (GRCh38, 1-based): chr19:48,982,329, C>T on the plus strand (G>A on the coding strand, the complement: GYS1 is on the minus strand). VCF-style: chr19-48982329-C-T. GRCh37 (hg19) VCF-style: chr19-49485586-C-T.
Other names: c.796G>A, p.Gly266Ser (NM_001161587.2); short protein forms G266S, G330S.
Identifiers: ClinVar variation 1304176 (VCV001304176.2), dbSNP rs772283044, ClinGen allele CA9563142.